The following is an entry in ClinVar:

NM_001080449.3(DNA2):c.1846A>G (p.Lys616Glu)

Gene: DNA2 (DNA replication helicase/nuclease 2; minus strand). Cytogenetic location: 10q21.3.
Variant type: single nucleotide variant.
Coding change: c.1846A>G on transcript NM_001080449.3 (MANE Select); coding-DNA position 1846, A replaced by G.
Protein change: p.Lys616Glu; replaces lysine 616 with glutamic acid.
Molecular consequence: missense variant. On other transcripts: non-coding transcript variant (1).
Genome position (GRCh38, 1-based): chr10:68,432,233, T>C on the plus strand (A>G on the coding strand, the complement: DNA2 is on the minus strand). VCF-style: chr10-68432233-T-C. GRCh37 (hg19) VCF-style: chr10-70191990-T-C.
Other names: short protein forms K616E.
Identifiers: ClinVar variation 5016919 (VCV005016919.1).

ClinVar aggregate classification (germline): Uncertain significance (1 of 4 stars; one submission).

gnomAD v4.1: 2 of 1,603,340 alleles (0.00012%); highest among the groups gnomAD compares: Non-Finnish European, 0.00017%; no homozygotes.

Submission:

GeneDx
Classification: Uncertain significance. Last evaluated: 2026-03-24. Review status: criteria provided, single submitter. Criteria: GeneDx Variant Classification Process June 2021. Collection method: clinical testing. Allele origin: germline.
Comment: Not observed at significant frequency in large population cohorts (gnomAD); In silico analysis supports that this missense variant has a deleterious effect on protein structure/function; Has not been previously published as pathogenic or benign to our knowledge